The following is an entry in ClinVar:

ClinVar aggregate classification (germline): Uncertain significance (1 of 4 stars; one submission).

Conditions:
Cardiovascular phenotype. Identifiers: MedGen CN230736.

Allele frequency attached by ClinVar (database versions not stated): gnomAD exomes below 0.00001; TOPMed below 0.00001.
gnomAD v4.1: 2 of 1,606,586 alleles (0.00012%); highest among the groups gnomAD compares: Non-Finnish European, 0.00017%; no homozygotes.

Submission:

Ambry Genetics
Classification: Uncertain significance for Cardiovascular phenotype. Last evaluated: 2023-08-01. Review status: criteria provided, single submitter. Criteria: Ambry Variant Classification Scheme 2023. Collection method: clinical testing. Allele origin: germline.
Comment: The p.K2E variant (also known as c.4A>G), located in coding exon 1 of the CASQ2 gene, results from an A to G substitution at nucleotide position 4. The lysine at codon 2 is replaced by glutamic acid, an amino acid with similar properties. This amino acid position is well conserved in available vertebrate species. In addition, this alteration is predicted to be tolerated by in silico analysis. Since supporting evidence is limited at this time, the clinical significance of this alteration remains unclear.

NM_001232.4(CASQ2):c.4A>G (p.Lys2Glu)

Gene: CASQ2 (calsequestrin 2; minus strand). Cytogenetic location: 1p13.1.
Variant type: single nucleotide variant.
Coding change: c.4A>G on transcript NM_001232.4 (MANE Select); coding-DNA position 4, A replaced by G.
Protein change: p.Lys2Glu; replaces lysine 2 with glutamic acid.
Molecular consequence: missense variant.
Genome position (GRCh38, 1-based): chr1:115,768,538, T>C on the plus strand (A>G on the coding strand, the complement: CASQ2 is on the minus strand). VCF-style: chr1-115768538-T-C. GRCh37 (hg19) VCF-style: chr1-116311159-T-C.
Other names: short protein forms K2E.
Identifiers: ClinVar variation 2585689 (VCV002585689.2), dbSNP rs1649207484, ClinGen allele CA341767470.